The following is an entry in ClinVar:

NM_001370259.2(MEN1):c.1276G>A (p.Gly426Ser)

Gene: MEN1 (menin 1; minus strand). Cytogenetic location: 11q13.1.
Variant type: single nucleotide variant.
Coding change: c.1276G>A on transcript NM_001370259.2 (MANE Select); coding-DNA position 1276, G replaced by A.
Protein change: p.Gly426Ser; replaces glycine 426 with serine.
Molecular consequence: missense variant. On other transcripts: non-coding transcript variant (4), intron variant (1).
Genome position (GRCh38, 1-based): chr11:64,805,108, C>T on the plus strand (G>A on the coding strand, the complement: MEN1 is on the minus strand). VCF-style: chr11-64805108-C-T. GRCh37 (hg19) VCF-style: chr11-64572580-C-T.
Other names: c.1291G>A, p.Gly431Ser (NM_000244.4, NM_130800.3, NM_130801.3 and 4 more transcripts); c.1402G>A, p.Gly468Ser (NM_001370251.2, NM_001407142.1, NM_001407143.1 and 1 more transcripts); c.1171G>A, p.Gly391Ser (NM_001407148.1, NM_001407149.1, NM_001370262.2 and 1 more transcripts); c.1417G>A, p.Gly473Ser (NM_001407150.1); c.1297G>A, p.Gly433Ser (NM_001407151.1); c.1276G>A, p.Gly426Ser (NM_130799.3, NM_001370260.2, NM_001370261.2 and 2 more transcripts); c.1186-292G>A (NM_001407152.1); short protein forms G473S, G426S, G433S, G431S, G468S, G391S.
Identifiers: ClinVar variation 3294198 (VCV003294198.1).
Genomic context (GRCh38, chr11:64,805,108, plus strand): 5'-GGCCTAGGGACTGCACAAGAAAGGTGGCCCAGCCCACATGCAGCACAGGCGTGGGACTGC[C>T]CTCCTCCCATTTGCAGATGCCGTCGTAGAATCGCAGCAGGTGGGCGAAGCACTCAGGGTC-3'
Protein context (NP_001357188.2, residues 416-436): FYDGICKWEE[Gly426Ser]SPTPVLHVGW

ClinVar aggregate classification (germline): Uncertain significance (1 of 4 stars; one submission).

Conditions:
Hereditary cancer-predisposing syndrome. Also called: Tumor predisposition; Hereditary Cancer Syndrome; Hereditary neoplastic syndrome; Neoplastic Syndromes, Hereditary. Identifiers: Orphanet 140162, MedGen C0027672, MeSH D009386, MONDO:0015356.

Submission:

Ambry Genetics
Classification: Uncertain significance for Hereditary cancer-predisposing syndrome. Last evaluated: 2024-04-20. Review status: criteria provided, single submitter. Criteria: Ambry Variant Classification Scheme 2023. Collection method: clinical testing. Allele origin: germline.
Comment: The p.G426S variant (also known as c.1276G>A), located in coding exon 8 of the MEN1 gene, results from a G to A substitution at nucleotide position 1276. The glycine at codon 426 is replaced by serine, an amino acid with similar properties. This amino acid position is conserved. In addition, this alteration is predicted to be deleterious by in silico analysis. Based on the available evidence, the clinical significance of this variant remains unclear.